The following is an entry in ClinVar:

NM_147127.5(EVC2):c.1583A>G (p.Gln528Arg)

Gene: EVC2 (EvC ciliary complex subunit 2; minus strand). Cytogenetic location: 4p16.2.
Variant type: single nucleotide variant.
Coding change: c.1583A>G on transcript NM_147127.5 (MANE Select); coding-DNA position 1583, A replaced by G.
Protein change: p.Gln528Arg; replaces glutamine 528 with arginine.
Molecular consequence: missense variant.
Genome position (GRCh38, 1-based): chr4:5,631,920, T>C on the plus strand (A>G on the coding strand, the complement: EVC2 is on the minus strand). VCF-style: chr4-5631920-T-C. GRCh37 (hg19) VCF-style: chr4-5633647-T-C.
Other names: c.1343A>G, p.Gln448Arg (NM_001166136.2); short protein forms Q528R, Q448R.
Identifiers: ClinVar variation 349083 (VCV000349083.15), dbSNP rs369076839, ClinGen allele CA2835006.
Genomic context (GRCh38, chr4:5,631,920, plus strand): 5'-GCACTTTTTATCTGGGTAAAAAAGATACTGTGCAGTTCATTTCTCTGGAAAACAGCCAGC[T>C]GTCTGTGAGCTTTGGCAAAGTCTTCTTCTTGTTGCAAAGCGAGAGACTTCCTCAAGTGCT-3'
Protein context (NP_667338.3, residues 518-538): QEEDFAKAHR[Gln528Arg]LAVFQRNELH

ClinVar aggregate classification (germline): Uncertain significance. Review status: criteria provided, multiple submitters, no conflicts (2 of 4 stars). 5 submissions from 5 submitters: Uncertain significance (5). Last evaluated 2025-11-02.

Conditions:
Ellis-van Creveld syndrome (EVC). Also called: Chondroectodermal dysplasia; MESOECTODERMAL DYSPLASIA. Identifiers: Orphanet 289, MedGen C0013903, MONDO:0009162, OMIM 225500.
Curry-Hall syndrome (WAD). Also called: WEYERS ACRODENTAL DYSOSTOSIS. Identifiers: Orphanet 952, MedGen C0457013, MONDO:0008673, OMIM 193530.
Inborn genetic diseases. Identifiers: MedGen C0950123, MeSH D030342.

Allele frequency attached by ClinVar (database versions not stated): gnomAD exomes 0.00014 and 0.00010; gnomAD 0.00004 and 0.00008; ESP Exome Variant Server 0.00008; 1000 Genomes Project 0.00020; TOPMed 0.00004; ExAC 0.00012; 1000 Genomes Project 30x 0.00016.
gnomAD v4.1: 153 of 1,614,232 alleles (0.0095%); highest among the groups gnomAD compares: South Asian, 0.078%; 1 homozygote.

Submissions (5):

Ambry Genetics
Classification: Uncertain significance for Inborn genetic diseases. Last evaluated: 2025-11-02. Review status: criteria provided, single submitter. Criteria: Ambry Variant Classification Scheme 2023. Collection method: clinical testing. Allele origin: germline.

Labcorp Genetics (formerly Invitae), Labcorp
Classification: Uncertain significance for Curry-Hall syndrome; Ellis-van Creveld syndrome. Last evaluated: 2025-03-20. Review status: criteria provided, single submitter. Criteria: Invitae Variant Classification Sherloc (09022015). Collection method: clinical testing. Allele origin: germline.
Comment: This sequence change replaces glutamine, which is neutral and polar, with arginine, which is basic and polar, at codon 528 of the EVC2 protein (p.Gln528Arg). This variant is present in population databases (rs369076839, gnomAD 0.08%). This variant has not been reported in the literature in individuals affected with EVC2-related conditions. ClinVar contains an entry for this variant (Variation ID: 349083). An algorithm developed to predict the effect of missense changes on protein structure and function (PolyPhen-2) suggests that this variant is likely to be disruptive. In summary, the available evidence is currently insufficient to determine the role of this variant in disease. Therefore, it has been classified as a Variant of Uncertain Significance.

Blueprint Genetics
Classification: Uncertain significance. Last evaluated: 2024-07-02. Review status: criteria provided, single submitter. Criteria: ACMG Guidelines, 2015. Collection method: clinical testing. Allele origin: germline.

Illumina Laboratory Services, Illumina
Classification: Uncertain significance for Ellis-van Creveld syndrome. Last evaluated: 2018-01-12. Review status: criteria provided, single submitter. Criteria: ICSL Variant Classification Criteria 13 December 2019. Collection method: clinical testing. Allele origin: germline.

Kariminejad - Najmabadi Pathology & Genetics Center
Classification: Uncertain significance for Ellis-van Creveld syndrome. Review status: criteria provided, single submitter. Criteria: ACMG Guidelines, 2015. Collection method: clinical testing. Allele origin: germline. Affected: no.